The following is an entry in ClinVar:

ClinVar aggregate classification (germline): Uncertain significance (1 of 4 stars; one submission).

Conditions:
Hereditary cancer-predisposing syndrome. Also called: Hereditary Cancer Syndrome; Neoplastic Syndromes, Hereditary; Tumor predisposition; Hereditary neoplastic syndrome. Identifiers: Orphanet 140162, MedGen C0027672, MeSH D009386, MONDO:0015356.

Submission:

Ambry Genetics
Classification: Uncertain significance for Hereditary cancer-predisposing syndrome. Last evaluated: 2026-06-29. Review status: criteria provided, single submitter. Criteria: Ambry Variant Classification Scheme 2023. Collection method: clinical testing. Allele origin: germline.
Comment: The c.4183_4184delAC variant, located in coding exon 29 of the ALK gene, results from a deletion of two nucleotides at nucleotide positions 4183 to 4184, causing a translational frameshift with a predicted alternate stop codon (p.T1395Rfs*24). This variant occurs at the 3' terminus of the gene and is not expected to trigger nonsense-mediated mRNA decay. Based on the available evidence, the clinical significance of this variant remains unclear.

NM_004304.5(ALK):c.4183_4184del (p.Thr1395fs)

Gene: ALK (ALK receptor tyrosine kinase; minus strand). Cytogenetic location: 2p23.2.
Variant type: Microsatellite.
Coding change: c.4183_4184del on transcript NM_004304.5 (MANE Select); coding-DNA positions 4183 to 4184, 2 bases deleted (AC; older notation c.4183_4184delAC).
Protein change: p.Thr1395fs; shifts the reading frame from threonine 1395.
Molecular consequence: frameshift variant.
Genome position (GRCh38, 1-based): chr2:29,193,903-29,193,904, GT deleted on the plus strand (AC on the coding strand, the reverse complement: ALK is on the minus strand); deleting any 2 consecutive bases within chr2:29,193,903-29,193,906 gives the same sequence; the c. name uses the placement nearest the transcript's 3' end. VCF-style (leftmost placement, unchanged base first): chr2-29193902-GGT-G. GRCh37 (hg19) VCF-style: chr2-29416768-GGT-G.
Other names: c.979_980del, p.Thr327fs (NM_001353765.2); short protein forms T1395fs, T327fs.
Identifiers: ClinVar variation 5035020 (VCV005035020.1).